The following is an entry in ClinVar:

ClinVar aggregate classification (germline): Uncertain significance (1 of 4 stars; one submission).

gnomAD v4.1: 5 of 1,608,444 alleles (0.00031%); highest among the groups gnomAD compares: Non-Finnish European, 0.00042%; no homozygotes.

Submission:

GeneDx
Classification: Uncertain significance. Last evaluated: 2025-03-27. Review status: criteria provided, single submitter. Criteria: GeneDx Variant Classification Process June 2021. Collection method: clinical testing. Allele origin: germline. Affected: yes.
Comment: Not observed at significant frequency in large population cohorts (gnomAD); In silico analysis supports that this missense variant has a deleterious effect on protein structure/function; Has not been previously published as pathogenic or benign to our knowledge; In silico analysis suggests this variant may impact gene splicing. In the absence of RNA/functional studies, the actual effect of this sequence change is unknown.; This variant is associated with the following publications: (PMID: 33767344)

NM_000540.3(RYR1):c.66G>T (p.Gln22His)

Gene: RYR1 (ryanodine receptor 1; plus strand). Cytogenetic location: 19q13.2.
Variant type: single nucleotide variant.
Coding change: c.66G>T on transcript NM_000540.3 (MANE Select); coding-DNA position 66, G replaced by T.
Protein change: p.Gln22His; replaces glutamine 22 with histidine.
Molecular consequence: missense variant.
Genome position (GRCh38, 1-based): chr19:38,440,765, G>T. VCF-style: chr19-38440765-G-T. GRCh37 (hg19) VCF-style: chr19-38931405-G-T.
Other names: c.66G>T, p.Gln22His (NM_001042723.2); short protein forms Q22H.
Identifiers: ClinVar variation 4087934 (VCV004087934.1).
Genomic context (GRCh38, chr19:38,440,765, plus strand): 5'-GGCCAGGCCCCCCTGGAGACGCTGCCCCTCGGTTCCGCAGGACGATGAGGTGGTCCTGCA[G>T]TGCAGCGCTACCGTGCTCAAGGAGCAGCTCAAGCTCTGCCTGGCCGCCGAGGGCTTCGGC-3'
Protein context (NP_000531.2, residues 12-32): FLRTDDEVVL[Gln22His]CSATVLKEQL